The following is an entry in ClinVar:

ClinVar aggregate classification (germline): Uncertain significance (1 of 4 stars; one submission).

Submission:

GeneDx
Classification: Uncertain significance. Last evaluated: 2025-07-03. Review status: criteria provided, single submitter. Criteria: GeneDx Variant Classification Process June 2021. Collection method: clinical testing. Allele origin: germline. Affected: yes.
Comment: Not observed at significant frequency in large population cohorts (gnomAD); Frameshift variant predicted to result in abnormal protein length as the last 71 amino acid(s) are replaced with 5 different amino acid(s); Has not been previously published as pathogenic or benign to our knowledge

NM_001744.6(CAMK4):c.1206del (p.Val403fs)

Gene: CAMK4 (calcium/calmodulin dependent protein kinase IV; plus strand). Cytogenetic location: 5q22.1.
Variant type: Deletion.
Coding change: c.1206del on transcript NM_001744.6 (MANE Select); coding-DNA position 1206, one base deleted (A; older notation c.1206delA).
Protein change: p.Val403fs; shifts the reading frame from valine 403.
Molecular consequence: frameshift variant.
Genome position (GRCh38, 1-based): chr5:111,484,250, A deleted; the last of 3 consecutive A bases (chr5:111,484,248-111,484,250); deleting any one gives the same sequence. VCF-style (leftmost placement, unchanged base first): chr5-111484247-GA-G. GRCh37 (hg19) VCF-style: chr5-110819945-GA-G.
Other names: c.1206del, p.Val403fs (NM_001323374.2, NM_001323375.2); c.615del, p.Val206fs (NM_001323376.2, NM_001323377.2); short protein forms V206fs, V403fs.
Identifiers: ClinVar variation 4681052 (VCV004681052.1).